The following is an entry in ClinVar:

ClinVar aggregate classification (germline): Uncertain significance (1 of 4 stars; one submission).

Conditions:
Familial adenomatous polyposis 1 (FAP1). Also called: FAMILIAL ADENOMATOUS POLYPOSIS 1, ATTENUATED; POLYPOSIS, ADENOMATOUS INTESTINAL. Identifiers: MedGen C2713442, MONDO:0021056, OMIM 175100. Disease mechanism: loss of function.

Allele frequency attached by ClinVar (database versions not stated): TOPMed 0.00001; gnomAD exomes below 0.00001; gnomAD 0.00002.
gnomAD v4.1: 5 of 1,366,608 alleles (0.00037%); highest among the groups gnomAD compares: African/African-American, 0.0072%; no homozygotes.

Submission:

Labcorp Genetics (formerly Invitae), Labcorp
Classification: Uncertain significance for Familial adenomatous polyposis 1. Last evaluated: 2025-08-09. Review status: criteria provided, single submitter. Criteria: Invitae Variant Classification Sherloc (09022015). Collection method: clinical testing. Allele origin: germline.
Comment: This variant occurs in a non-coding region of the APC gene. It does not change the encoded amino acid sequence of the APC protein. This variant is not present in population databases (gnomAD no frequency). This variant has not been reported in the literature in individuals affected with APC-related conditions. ClinVar contains an entry for this variant (Variation ID: 537638). Experimental studies and prediction algorithms are not available or were not evaluated, and the functional significance of this variant is currently unknown. In summary, the available evidence is currently insufficient to determine the role of this variant in disease. Therefore, it has been classified as a Variant of Uncertain Significance.

NM_001127511.3(APC):c.-61T>C

Gene: APC (APC regulator of Wnt signaling pathway; plus strand). Cytogenetic location: 5q22.2.
Variant type: single nucleotide variant.
Coding change: c.-61T>C on transcript NM_001127511.3; 61 bases upstream of the start codon, T replaced by C.
Molecular consequence: 5 prime UTR variant. On other transcripts: non-coding transcript variant (1), intron variant (5).
Genome position (GRCh38, 1-based): chr5:112,707,657, T>C. VCF-style: chr5-112707657-T-C. GRCh37 (hg19) VCF-style: chr5-112043354-T-C.
Other names: c.-244T>C (NM_001354895.2, NM_001407447.1, NM_001407452.1 and 3 more transcripts); c.-61T>C (NM_001354897.2, NM_001354902.2, NM_001407446.1); c.-1279T>C (NM_001407470.1, NM_001407472.1); c.-19+8T>C (NM_001407448.1, NM_001407450.1, NM_001407457.1 and 1 more transcripts); c.-43+8T>C (NM_001407453.1).
Identifiers: ClinVar variation 537638 (VCV000537638.10), dbSNP rs1554060241, ClinGen allele CA658796615.